The following is an entry in ClinVar:

NM_002317.7(LOX):c.53T>C (p.Leu18Pro)

Genes: LOX (lysyl oxidase; minus strand), SRFBP1 (serum response factor binding protein 1; plus strand). Cytogenetic location: 5q23.1.
Variant type: single nucleotide variant.
Coding change: c.53T>C on transcript NM_002317.7 (MANE Select); coding-DNA position 53, T replaced by C.
Protein change: p.Leu18Pro; replaces leucine 18 with proline.
Molecular consequence: missense variant.
Genome position (GRCh38, 1-based): chr5:122,077,933, A>G on the plus strand (T>C on the coding strand, the complement: LOX is on the minus strand). VCF-style: chr5-122077933-A-G. GRCh37 (hg19) VCF-style: chr5-121413628-A-G.
Other names: short protein forms L18P.
Identifiers: ClinVar variation 1710598 (VCV001710598.2), dbSNP rs776769725, ClinGen allele CA360878739.

ClinVar aggregate classification (germline): Uncertain significance (1 of 4 stars; one submission).

gnomAD v4.1: 1 of 1,500,468 alleles (0.000067%); highest among the groups gnomAD compares: Non-Finnish European, 0.000088%; no homozygotes.

Submission:

GeneDx
Classification: Uncertain significance. Last evaluated: 2022-04-13. Review status: criteria provided, single submitter. Criteria: GeneDx Variant Classification Process June 2021. Collection method: clinical testing. Allele origin: germline. Affected: yes.
Comment: Has not been previously published as pathogenic or benign to our knowledge; Not observed at significant frequency in large population cohorts (gnomAD); In silico analysis supports that this missense variant does not alter protein structure/function